The following is an entry in ClinVar:

ClinVar aggregate classification (germline): Pathogenic (1 of 4 stars; one submission).

Conditions:
Duchenne muscular dystrophy (DMD). Also called: MUSCULAR DYSTROPHY, PSEUDOHYPERTROPHIC PROGRESSIVE, DUCHENNE TYPE; Duchenne Muscular Dystrophy (DMD). Identifiers: Orphanet 98896, MedGen C0013264, MONDO:0010679, OMIM 310200.

Submission:

Labcorp Genetics (formerly Invitae), Labcorp
Classification: Pathogenic for Duchenne muscular dystrophy. Last evaluated: 2023-07-31. Review status: criteria provided, single submitter. Criteria: Invitae Variant Classification Sherloc (09022015). Collection method: clinical testing. Allele origin: unknown.
Comment: For these reasons, this variant has been classified as Pathogenic. A similar copy number variant has been observed in individuals with Duchenne or Becker muscular dystrophy (PMID: 16917894, 21969337). This variant results in a copy number gain of the genomic region encompassing exon(s) 45-52 of the DMD gene. While the exact position of this variant cannot be determined from the data, sub-genic copy number gains are generally in tandem (PMID: 25640679). This variant is predicted to be out-of-frame, and may result in an absent or disrupted protein product. Loss-of-function variants in DMD are known to be pathogenic (PMID: 16770791, 25007885).

Literature cited by the submitters: PubMed 16917894; PubMed 21969337; PubMed 25640679; PubMed 16770791; PubMed 25007885.

NC_000023.10:g.(?_31747728)_(31986651_?)dup

Gene: DMD (dystrophin; minus strand). Cytogenetic location: Xp21.1.
Variant type: Duplication.
Identifiers: ClinVar variation 3243087 (VCV003243087.1).